The following is an entry in ClinVar:

ClinVar aggregate classification (germline): Uncertain significance (1 of 4 stars; one submission).

Conditions:
Inborn genetic diseases. Identifiers: MedGen C0950123, MeSH D030342.

Allele frequency attached by ClinVar (database versions not stated): ExAC 0.00001.
gnomAD v4.1: 1 of 1,613,254 alleles (0.000062%); highest among the groups gnomAD compares: South Asian, 0.0011%; no homozygotes.

Submission:

Ambry Genetics
Classification: Uncertain significance for Inborn genetic diseases. Last evaluated: 2023-04-07. Review status: criteria provided, single submitter. Criteria: Ambry Variant Classification Scheme 2023. Collection method: clinical testing. Allele origin: germline.
Comment: The p.V696I variant (also known as c.2086G>A), located in coding exon 10 of the ATR gene, results from a G to A substitution at nucleotide position 2086. The valine at codon 696 is replaced by isoleucine, an amino acid with highly similar properties. This amino acid position is conserved. In addition, this alteration is predicted to be tolerated by in silico analysis. Since supporting evidence is limited at this time, the clinical significance of this alteration remains unclear.

NM_001184.4(ATR):c.2086G>A (p.Val696Ile)

Gene: ATR (ATR checkpoint kinase; minus strand). Cytogenetic location: 3q23.
Variant type: single nucleotide variant.
Coding change: c.2086G>A on transcript NM_001184.4 (MANE Select); coding-DNA position 2086, G replaced by A.
Protein change: p.Val696Ile; replaces valine 696 with isoleucine.
Molecular consequence: missense variant.
Genome position (GRCh38, 1-based): chr3:142,556,132, C>T on the plus strand (G>A on the coding strand, the complement: ATR is on the minus strand). VCF-style: chr3-142556132-C-T. GRCh37 (hg19) VCF-style: chr3-142274974-C-T.
Other names: c.1894G>A, p.Val632Ile (NM_001354579.2); short protein forms V632I, V696I.
Identifiers: ClinVar variation 2561379 (VCV002561379.2), dbSNP rs768913323, ClinGen allele CA2650423.
Genomic context (GRCh38, chr3:142,556,132, plus strand): 5'-AGACAAGTTGACCAAGTATAGAAGCAAATTCTTTCTTGACAATGTCAGAATCATCTTTGA[C>T]TTTATCTCTGGGGAAAAAAAAGAAAAAGTACTAAACTTTCTTGCCTAATTTTGTGGTCTA-3'
Protein context (NP_001175.2, residues 686-706): NRVPKILIDK[Val696Ile]KDDSDIVKKE